The following is an entry in ClinVar:

NM_139276.3(STAT3):c.1230C>G (p.His410Gln)

Gene: STAT3 (signal transducer and activator of transcription 3; minus strand). Cytogenetic location: 17q21.2.
Variant type: single nucleotide variant.
Coding change: c.1230C>G on transcript NM_139276.3 (MANE Select); coding-DNA position 1230, C replaced by G.
Protein change: p.His410Gln; replaces histidine 410 with glutamine.
Molecular consequence: missense variant.
Genome position (GRCh38, 1-based): chr17:42,329,557, G>C on the plus strand (C>G on the coding strand, the complement: STAT3 is on the minus strand). VCF-style: chr17-42329557-G-C. GRCh37 (hg19) VCF-style: chr17-40481575-G-C.
Other names: c.1152C>G, p.His384Gln (NM_001384985.1); c.1245C>G, p.His415Gln (NM_001384986.1, NM_001384990.1); c.1230C>G, p.His410Gln (NM_001384987.1, NM_001384988.1, NM_001384991.1 and 12 more transcripts); c.1134C>G, p.His378Gln (NM_001384989.1); c.1170C>G, p.His390Gln (NM_001384992.1); short protein forms H410Q, H378Q, H384Q, H390Q, H415Q.
Identifiers: ClinVar variation 649873 (VCV000649873.9), dbSNP rs138001349, ClinGen allele CA399588579.

ClinVar aggregate classification (germline): Uncertain significance (1 of 4 stars; one submission).

Conditions:
STAT3 gain of function. Identifiers: MedGen C4288261.
Hyper-IgE recurrent infection syndrome 1, autosomal dominant. Also called: JOB SYNDROME; HYPER-IgE SYNDROME 1, AUTOSOMAL DOMINANT, WITH RECURRENT INFECTIONS; STAT3 Hyper IgE Syndrome; Hyper-IgE recurrent infection syndrome 1; Job's Syndrome. Identifiers: Orphanet 2314, MedGen C2936739, MONDO:0007818, OMIM 147060.

Submission:

Labcorp Genetics (formerly Invitae), Labcorp
Classification: Uncertain significance for STAT3 gain of function; Hyper-IgE recurrent infection syndrome 1, autosomal dominant. Last evaluated: 2024-06-25. Review status: criteria provided, single submitter. Criteria: Invitae Variant Classification Sherloc (09022015). Collection method: clinical testing. Allele origin: germline.
Comment: This sequence change replaces histidine, which is basic and polar, with glutamine, which is neutral and polar, at codon 410 of the STAT3 protein (p.His410Gln). This variant is not present in population databases (gnomAD no frequency). This variant has not been reported in the literature in individuals affected with STAT3-related conditions. ClinVar contains an entry for this variant (Variation ID: 649873). Advanced modeling of protein sequence and biophysical properties (such as structural, functional, and spatial information, amino acid conservation, physicochemical variation, residue mobility, and thermodynamic stability) performed at Invitae indicates that this missense variant is expected to disrupt STAT3 protein function with a positive predictive value of 80%. In summary, the available evidence is currently insufficient to determine the role of this variant in disease. Therefore, it has been classified as a Variant of Uncertain Significance.